The following is an entry in ClinVar:

ClinVar aggregate classification (germline): Uncertain significance. Review status: criteria provided, multiple submitters, no conflicts (2 of 4 stars). 5 submissions from 5 submitters: Uncertain significance (5). Last evaluated 2025-09-04.

Conditions:
Cardiovascular phenotype. Identifiers: MedGen CN230736.
Hypertrophic cardiomyopathy 11. Also called: ACTC1-Related Familial Hypertrophic Cardiomyopathy. Identifiers: MedGen C2677506, MONDO:0012799, OMIM 612098.
Dilated cardiomyopathy 1R (CMD1R). Identifiers: Orphanet 154, Orphanet 54260, MedGen C3150681, MONDO:0013261, OMIM 613424.
Atrial septal defect 5 (ASD5). Identifiers: Orphanet 1478, MedGen C2748552, MONDO:0013011, OMIM 612794.
Cardiomyopathy (CMYO). Also called: Cardiomyopathies. Identifiers: Orphanet 167848, MedGen C0878544, MONDO:0004994, HP:0001638. Inheritance: Various modes of inheritance.
Hypertrophic cardiomyopathy. Also called: HYPERTROPHIC MYOCARDIOPATHY. Identifiers: Orphanet 217569, MedGen C0007194, MeSH D002312, MONDO:0005045, HP:0001639.

Allele frequency attached by ClinVar (database versions not stated): gnomAD 0.00001; TOPMed 0.00002.
gnomAD v4.1: 2 of 1,611,320 alleles (0.00012%); highest among the groups gnomAD compares: Non-Finnish European, 0.00017%; no homozygotes.

Submissions (5):

Color Diagnostics, LLC DBA Color Health
Classification: Uncertain significance for Cardiomyopathy. Last evaluated: 2025-09-04. Review status: criteria provided, single submitter. Criteria: ACMG Guidelines, 2015. Collection method: clinical testing. Allele origin: germline.
Comment: This synonymous variant alters the conserved c.G at the last nucleotide of exon 2 of the ACTC1 gene. To our knowledge, functional studies have not been reported for this variant. This variant has not been reported in individuals affected with ACTC1-related disorders in the literature. This variant has not been identified in the general population by the Genome Aggregation Database (gnomAD). The available evidence is insufficient to determine the role of this variant in disease conclusively. Therefore, this variant is classified as a Variant of Uncertain Significance.

Labcorp Genetics (formerly Invitae), Labcorp
Classification: Uncertain significance for Dilated cardiomyopathy 1R; Hypertrophic cardiomyopathy 11; Atrial septal defect 5. Last evaluated: 2025-03-17. Review status: criteria provided, single submitter. Criteria: Invitae Variant Classification Sherloc (09022015). Collection method: clinical testing. Allele origin: germline.
Comment: This sequence change affects codon 43 of the ACTC1 mRNA. It is a 'silent' change, meaning that it does not change the encoded amino acid sequence of the ACTC1 protein. This variant also falls at the last nucleotide of exon 2, which is part of the consensus splice site for this exon. This variant is not present in population databases (gnomAD no frequency). This variant has been observed in individuals with hypertrophic cardiomyopathy (internal data). ClinVar contains an entry for this variant (Variation ID: 240098). Variants that disrupt the consensus splice site are a relatively common cause of aberrant splicing (PMID: 17576681, 9536098). Algorithms developed to predict the effect of sequence changes on RNA splicing suggest that this variant may disrupt the consensus splice site. In summary, the available evidence is currently insufficient to determine the role of this variant in disease. Therefore, it has been classified as a Variant of Uncertain Significance.

All of Us Research Program, National Institutes of Health
Classification: Uncertain significance for Hypertrophic cardiomyopathy. Last evaluated: 2024-03-14. Review status: criteria provided, single submitter. Criteria: ACMG Guidelines, 2015. Collection method: clinical testing. Allele origin: germline. Inheritance: Autosomal dominant inheritance. Observed: 1 variant allele, 1 heterozygote.
Comment: Variant of Uncertain Significance due to insufficient evidence: This synonymous variant does not change the amino acid sequence of the ACTC1 protein. However, this variant changes the conserved last nucleotide of exon 2, and computational splicing tools predict that this variant may have significant adverse impact on RNA splicing. To our knowledge, RNA assays have not been performed to investigate this prediction. This variant has not been reported in individuals affected with cardiovascular disorders in the literature. This variant is rare in the general population and has been identified in 0/277264 chromosomes in the general population by the Genome Aggregation Database (gnomAD). Available evidence is insufficient to determine the pathogenicity of this variant conclusively.

This study involves interpretation of variants in research participants for the purpose of population health screening. Participant phenotype was not available at the time of variant classification. Additional details can be found in publication PMID: 35346344, PMCID: PMC8962531

Ambry Genetics
Classification: Uncertain significance for Cardiovascular phenotype. Last evaluated: 2023-06-12. Review status: criteria provided, single submitter. Criteria: Ambry Variant Classification Scheme 2023. Collection method: clinical testing. Allele origin: germline.
Comment: The c.129G>A variant (also known as p.Q43Q), located in coding exon 1 of the ACTC1 gene. This variant results from a G to A substitution at nucleotide position 129. This nucleotide substitution does not change the glutamine at codon 43. However, this change occurs in the last base pair of coding exon 1, which makes it likely to have some effect on normal mRNA splicing. This nucleotide position is highly conserved in available vertebrate species. In silico splice site analysis for this alteration is inconclusive. Since supporting evidence is limited at this time, the clinical significance of this alteration remains unclear.

Fulgent Genetics
Classification: Uncertain significance for Hypertrophic cardiomyopathy 11; Atrial septal defect 5; Dilated cardiomyopathy 1R. Last evaluated: 2021-07-01. Review status: criteria provided, single submitter. Criteria: ACMG Guidelines, 2015. Collection method: clinical testing. Allele origin: unknown.

Literature cited by the submitters: PubMed 17576681 (cited by Labcorp Genetics (formerly Invitae), Labcorp); PubMed 9536098 (cited by Labcorp Genetics (formerly Invitae), Labcorp).

NM_005159.5(ACTC1):c.129G>A (p.Gln43=)

Genes: GJD2-DT (GJD2 divergent transcript; plus strand), ACTC1 (actin alpha cardiac muscle 1; minus strand). Cytogenetic location: 15q14.
Variant type: single nucleotide variant.
Coding change: c.129G>A on transcript NM_005159.5 (MANE Select); coding-DNA position 129, G replaced by A.
Protein change: p.Gln43=; no amino-acid change (glutamine 43 retained).
Molecular consequence: synonymous variant.
Genome position (GRCh38, 1-based): chr15:34,794,680, C>T on the plus strand (G>A on the coding strand, the complement: ACTC1 is on the minus strand). VCF-style: chr15-34794680-C-T. GRCh37 (hg19) VCF-style: chr15-35086881-C-T.
Other names: c.129G>A (LRG_388t1).
Identifiers: ClinVar variation 240098 (VCV000240098.16), dbSNP rs878854753, ClinGen allele CA10583235.